The following is an entry in ClinVar:

ClinVar aggregate classification (germline): Uncertain significance (1 of 4 stars; one submission).

Conditions:
Bloom syndrome (BLM). Also called: Bloom-Torre-Machacek syndrome. Identifiers: Orphanet 125, MedGen C0005859, MONDO:0008876, OMIM 210900.

Submission:

Labcorp Genetics (formerly Invitae), Labcorp
Classification: Uncertain significance for Bloom syndrome. Last evaluated: 2023-04-12. Review status: criteria provided, single submitter. Criteria: Invitae Variant Classification Sherloc (09022015). Collection method: clinical testing. Allele origin: germline.
Comment: Advanced modeling of protein sequence and biophysical properties (such as structural, functional, and spatial information, amino acid conservation, physicochemical variation, residue mobility, and thermodynamic stability) performed at Invitae indicates that this missense variant is not expected to disrupt BLM protein function. This variant has not been reported in the literature in individuals affected with BLM-related conditions. This variant is not present in population databases (gnomAD no frequency). This sequence change replaces serine, which is neutral and polar, with phenylalanine, which is neutral and non-polar, at codon 1379 of the BLM protein (p.Ser1379Phe). In summary, the available evidence is currently insufficient to determine the role of this variant in disease. Therefore, it has been classified as a Variant of Uncertain Significance.

NM_000057.4(BLM):c.4136C>T (p.Ser1379Phe)

Gene: BLM (BLM RecQ like helicase; plus strand). Cytogenetic location: 15q26.1.
Variant type: single nucleotide variant.
Coding change: c.4136C>T on transcript NM_000057.4 (MANE Select); coding-DNA position 4136, C replaced by T.
Protein change: p.Ser1379Phe; replaces serine 1379 with phenylalanine.
Molecular consequence: missense variant.
Genome position (GRCh38, 1-based): chr15:90,815,161, C>T. VCF-style: chr15-90815161-C-T. GRCh37 (hg19) VCF-style: chr15-91358391-C-T.
Other names: c.4136C>T, p.Ser1379Phe (NM_001287246.2); c.3743C>T, p.Ser1248Phe (NM_001287247.2); c.3011C>T, p.Ser1004Phe (NM_001287248.2); short protein forms S1004F, S1248F, S1379F.
Identifiers: ClinVar variation 2855401 (VCV002855401.3), dbSNP rs2505575346, ClinGen allele CA393852275.